The following is an entry in ClinVar:

ClinVar aggregate classification (germline): Uncertain significance. Review status: criteria provided, multiple submitters, no conflicts (2 of 4 stars). 7 submissions from 7 submitters: Uncertain significance (7). Last evaluated 2026-02-28.

Conditions:
TTN-related disorder. Also called: TTN-related condition; TTN-related disease; TTN-related disorders.
Myopathy, myofibrillar, 9, with early respiratory failure (MFM9). Also called: Hereditary myopathy with early respiratory failure; EDSTROM MYOPATHY; MYOPATHY, PROXIMAL, WITH EARLY RESPIRATORY MUSCLE INVOLVEMENT; Myopathy, distal, with early respiratory failure, autosomal dominant. Identifiers: Orphanet 178464, Orphanet 34521, MedGen C1863599, MONDO:0011362, OMIM 603689.
Autosomal recessive limb-girdle muscular dystrophy type 2J (LGMDR10). Also called: Limb-girdle muscular dystrophy, type 2J; MUSCULAR DYSTROPHY, LIMB-GIRDLE, AUTOSOMAL RECESSIVE 10. Identifiers: Orphanet 140922, MedGen C1837342, MONDO:0012127, OMIM 608807.
Early-onset myopathy with fatal cardiomyopathy (CMYO5). Also called: Salih Myopathy; CONGENITAL MYOPATHY 5 WITH CARDIOMYOPATHY. Identifiers: Orphanet 289377, MedGen C2673677, MONDO:0012714, OMIM 611705. Disease mechanism: loss of function.
Hypertrophic cardiomyopathy 9. Also called: Familial hypertrophic cardiomyopathy 9. Identifiers: MedGen C1861065, MONDO:0013412, OMIM 613765.
Dilated cardiomyopathy 1G (CMD1G). Identifiers: Orphanet 154, MedGen C1858763, MONDO:0011400, OMIM 604145.
Tibial muscular dystrophy (TMD). Also called: Tibial muscular dystrophy, tardive; UDD MYOPATHY; Udd Distal Myopathy – Tibial Muscular Dystrophy. Identifiers: Orphanet 609, MedGen C1838244, MONDO:0010870, OMIM 600334.

Allele frequency attached by ClinVar (database versions not stated): ExAC 0.00004; gnomAD exomes 0.00005 and 0.00008; gnomAD 0.00011; TOPMed 0.00013; ESP Exome Variant Server 0.00025.
gnomAD v4.1: 138 of 1,613,078 alleles (0.0086%); highest among the groups gnomAD compares: African/African-American, 0.02%; no homozygotes.

Submissions (7):

PreventionGenetics, part of Exact Sciences
Classification: Uncertain significance for TTN-related condition. Last evaluated: 2026-02-28. Review status: criteria provided, single submitter. Criteria: ACMG Guidelines, 2015. Collection method: clinical testing. Allele origin: germline.
Comment: The TTN c.95083G>A variant is predicted to result in the amino acid substitution p.Gly31695Arg. This variant has been reported in the literature using alternate nomenclature, and found in patients with TTN-related phenotypes; however a second truncating TTN variant was also detected in all affected individuals of this family (alternate nomenclature: NM_133378.4:c.87379G>A (p.Gly29127Arg); Norton et al. 2013. PubMed ID: 23418287). Currently, no evidence supports the pathogenicity of this variant. This variant is reported in 0.017% of alleles in individuals of African descent in gnomAD. Although we suspect that this variant may be benign, at this time, the clinical significance of this variant is uncertain due to the absence of conclusive functional and genetic evidence.

Revvity Omics, Revvity
Classification: Uncertain significance. Last evaluated: 2019-07-18. Review status: criteria provided, single submitter. Criteria: ACMG Guidelines, 2015. Collection method: clinical testing. Allele origin: germline.

Fulgent Genetics
Classification: Uncertain significance for Tibial muscular dystrophy; Myopathy, myofibrillar, 9, with early respiratory failure; Dilated cardiomyopathy 1G; Autosomal recessive limb-girdle muscular dystrophy type 2J; Early-onset myopathy with fatal cardiomyopathy; Hypertrophic cardiomyopathy 9. Last evaluated: 2018-10-31. Review status: criteria provided, single submitter. Criteria: ACMG Guidelines, 2015. Collection method: clinical testing. Allele origin: unknown.

Athena Diagnostics
Classification: Uncertain significance. Last evaluated: 2016-10-28. Review status: criteria provided, single submitter. Criteria: Athena Diagnostics Criteria. Collection method: clinical testing. Allele origin: germline.

Eurofins Ntd Llc (ga)
Classification: Uncertain significance. Last evaluated: 2016-06-09. Review status: criteria provided, single submitter. Criteria: EGL Classification Definitions 2015. Collection method: clinical testing. Allele origin: germline. Observed: 1 variant allele, 1 heterozygote.

GeneDx
Classification: Uncertain significance. Last evaluated: 2014-12-31. Review status: criteria provided, single submitter. Criteria: GeneDx Variant Classification (06012015). Collection method: clinical testing. Allele origin: germline. Affected: yes.
Comment: Missense variants in the TTN gene are considered 'unclassified' if they are not previously reported in the literature and do not have >1% frequency in the population to be considered a polymorphism. Research indicates that truncating mutations in the TTN gene are expected to account for approximately 25% of familial and 18% of sporadic idiopathic DCM; however, truncating variants in the TTN gene have been reported in approximately 3% of reported control alleles. There has been little investigation into non-truncating variants. (Herman D et al. Truncations of titin causing dilated cardiomyopathy. N Eng J Med 366:619-628, 2012) The variant is found in DCM panel(s).

Laboratory for Molecular Medicine, Mass General Brigham Personalized Medicine
Classification: Uncertain significance. Last evaluated: 2012-04-30. Review status: criteria provided, single submitter. Criteria: LMM Criteria. Collection method: clinical testing. Allele origin: germline. Observed: 1 variant allele.
Comment: The Gly29127Arg variant (TTN) has not previously been reported in the literature nor previously identified by our laboratory. This variant has been identified i n 0.06% (2/3250) of African American chromosomes from a broad population by the NHLBI Exome Sequencing Project; however, thi s frequency is too low to confidently rule out a disease causing role. Computati onal analyses (biochemical amino acid properties, conservation, and SIFT) sugges t that this variant may impact the protein, though this information is not predi ctive enough to determine pathogenicity. In summary, additional information is n eeded to fully assess the clinical significance of the Gly29127Arg variant.

Literature cited by the submitters: PubMed 23418287 (cited by Athena Diagnostics).

NM_001267550.2(TTN):c.95083G>A (p.Gly31695Arg)

Genes: TTN (titin; minus strand), TTN-AS1 (TTN antisense RNA 1; plus strand). Cytogenetic location: 2q31.2.
Variant type: single nucleotide variant.
Coding change: c.95083G>A on transcript NM_001267550.2 (MANE Select); coding-DNA position 95083, G replaced by A.
Protein change: p.Gly31695Arg; replaces glycine 31695 with arginine.
Molecular consequence: missense variant.
Genome position (GRCh38, 1-based): chr2:178,546,248, C>T on the plus strand (G>A on the coding strand, the complement: TTN is on the minus strand). VCF-style: chr2-178546248-C-T. GRCh37 (hg19) VCF-style: chr2-179410975-C-T.
Other names: p.G30054R:GGG>AGG; c.90160G>A, p.Gly30054Arg (NM_001256850.1); c.87379G>A, p.Gly29127Arg (NM_133378.4); c.67888G>A, p.Gly22630Arg (NM_003319.4); c.68263G>A, p.Gly22755Arg (NM_133432.3); c.68464G>A, p.Gly22822Arg (NM_133437.4); short protein forms G31695R, G29127R, G30054R, G22630R, G22755R, G22822R.
Identifiers: ClinVar variation 47549 (VCV000047549.15), dbSNP rs376403373, ClinGen allele CA141322.